The following is an entry in ClinVar:

ClinVar aggregate classification (germline): Likely benign. Review status: criteria provided, multiple submitters, no conflicts (2 of 4 stars). 3 submissions from 3 submitters: Likely benign (3). Last evaluated 2025-12-27.

Allele frequency attached by ClinVar (database versions not stated): ExAC 0.00035.

Submissions (3):

Labcorp Genetics (formerly Invitae), Labcorp
Classification: Likely benign. Last evaluated: 2025-12-27. Review status: criteria provided, single submitter. Criteria: Invitae Variant Classification Sherloc (09022015). Collection method: clinical testing. Allele origin: germline.

Mayo Clinic Laboratories, Mayo Clinic
Classification: Likely benign. Last evaluated: 2024-11-14. Review status: criteria provided, single submitter. Criteria: ACMG Guidelines, 2015. Collection method: clinical testing. Allele origin: germline. Observed: 7 variant alleles.
Comment: BP4, BP7

Breakthrough Genomics
Classification: Likely benign. Review status: criteria provided, single submitter. Criteria: ACMG Guidelines, 2015. Collection method: not provided. Allele origin: germline. Inheritance: Autosomal recessive inheritance. Affected: yes.

NM_031475.3(ESPN):c.1296A>C (p.Pro432=)

Gene: ESPN (espin; plus strand). Cytogenetic location: 1p36.31.
Variant type: single nucleotide variant.
Coding change: c.1296A>C on transcript NM_031475.3 (MANE Select); coding-DNA position 1296, A replaced by C.
Protein change: p.Pro432=; no amino-acid change (proline 432 retained).
Molecular consequence: synonymous variant.
Genome position (GRCh38, 1-based): chr1:6,445,767, A>C. VCF-style: chr1-6445767-A-C. GRCh37 (hg19) VCF-style: chr1-6505827-A-C.
Other names: p.Pro432=; c.1296A>C, p.Pro432= (NM_001367473.1, NM_001367474.1).
Identifiers: ClinVar variation 770108 (VCV000770108.10), dbSNP rs765268659, ClinGen allele CA560185.
Genomic context (GRCh38, chr1:6,445,767, plus strand): 5'-CATGCTGAACCCGGAGCTGGGCCTGCCTCGGGGCACGATTGGGAAGCCCACACCCCCACC[A>C]CCCCCACCCAGCTTCCCCCCGCCACCCCCGCCCCCAGGCACCCAACTGCCCCCACCCCCA-3'
Protein context (NP_113663.2, residues 422-442): RGTIGKPTPP[Pro432=]PPPSFPPPPP